The following is an entry in ClinVar:

NM_001844.5(COL2A1):c.393del (p.Gly132fs)

Gene: COL2A1 (collagen type II alpha 1 chain; minus strand). Cytogenetic location: 12q13.11.
Variant type: Deletion.
Coding change: c.393del on transcript NM_001844.5 (MANE Select); coding-DNA position 393, one base deleted (A; older notation c.393delA).
Protein change: p.Gly132fs; shifts the reading frame from glycine 132.
Molecular consequence: frameshift variant.
Genome position (GRCh38, 1-based): chr12:47,997,907, T deleted on the plus strand (A on the coding strand, the reverse complement: COL2A1 is on the minus strand); the first of 2 consecutive T bases (chr12:47,997,907-47,997,908); deleting either gives the same sequence. VCF-style (leftmost placement, unchanged base first): chr12-47997906-CT-C. GRCh37 (hg19) VCF-style: chr12-48391689-CT-C.
Other names: c.186del, p.Gly63fs (NM_033150.3); short protein forms G63fs, G132fs.
Identifiers: ClinVar variation 2127990 (VCV002127990.4), dbSNP rs2540181466, ClinGen allele CA2580085530.

ClinVar aggregate classification (germline): Pathogenic (1 of 4 stars; one submission).

Submission:

Labcorp Genetics (formerly Invitae), Labcorp
Classification: Pathogenic. Last evaluated: 2024-05-20. Review status: criteria provided, single submitter. Criteria: Invitae Variant Classification Sherloc (09022015). Collection method: clinical testing. Allele origin: germline.
Comment: This sequence change creates a premature translational stop signal (p.Gly132Aspfs*67) in the COL2A1 gene. It is expected to result in an absent or disrupted protein product. Loss-of-function variants in COL2A1 are known to be pathogenic (PMID: 20179744). This variant is not present in population databases (gnomAD no frequency). This variant has not been reported in the literature in individuals affected with COL2A1-related conditions. ClinVar contains an entry for this variant (Variation ID: 2127990). For these reasons, this variant has been classified as Pathogenic.

Literature cited by the submitters: PubMed 20179744.